The following is an entry in ClinVar:

NM_001457.4(FLNB):c.1384C>T (p.Leu462=)

Gene: FLNB (filamin B; plus strand). Cytogenetic location: 3p14.3.
Variant type: single nucleotide variant.
Coding change: c.1384C>T on transcript NM_001457.4 (MANE Select); coding-DNA position 1384, C replaced by T.
Protein change: p.Leu462=; no amino-acid change (leucine 462 retained).
Molecular consequence: synonymous variant.
Genome position (GRCh38, 1-based): chr3:58,102,241, C>T. VCF-style: chr3-58102241-C-T. GRCh37 (hg19) VCF-style: chr3-58087968-C-T.
Other names: c.1384C>T, p.Leu462= (NM_001164317.2, NM_001164318.2, NM_001164319.2).
Identifiers: ClinVar variation 346311 (VCV000346311.11), dbSNP rs139725835, ClinGen allele CA2467794.

ClinVar aggregate classification (germline): Conflicting classifications of pathogenicity. Review status: criteria provided, conflicting classifications (1 of 4 stars). 3 submissions from 3 submitters: Uncertain significance (1); Likely benign (1). 1 of the submissions does not count toward it. Last evaluated 2025-07-06.

Conditions:
FLNB-related disorder. Also called: FLNB-related condition; FLNB-related disorders. Identifiers: MedGen CN381095.
FLNB-Related Spectrum Disorders.

Allele frequency attached by ClinVar (database versions not stated): gnomAD 0.00001; gnomAD exomes 0.00001; TOPMed 0.00001; ExAC 0.00002; ESP Exome Variant Server 0.00008.
gnomAD v4.1: 21 of 1,614,100 alleles (0.0013%); highest among the groups gnomAD compares: Non-Finnish European, 0.0016%; no homozygotes.

Submissions (3):

Labcorp Genetics (formerly Invitae), Labcorp
Classification: Likely benign. Last evaluated: 2025-07-06. Review status: criteria provided, single submitter. Criteria: Invitae Variant Classification Sherloc (09022015). Collection method: clinical testing. Allele origin: germline.

Illumina Laboratory Services, Illumina
Classification: Uncertain significance for FLNB-Related Spectrum Disorders. Last evaluated: 2018-01-13. Review status: criteria provided, single submitter. Criteria: ICSL Variant Classification Criteria 13 December 2019. Collection method: clinical testing. Allele origin: germline.

PreventionGenetics, part of Exact Sciences
Classification: Likely benign for FLNB-related condition. Last evaluated: 2019-03-28. Review status: no assertion criteria provided. Collection method: clinical testing. Allele origin: germline. Not counted in ClinVar's aggregate classification.
Comment: This variant is classified as likely benign based on ACMG/AMP sequence variant interpretation guidelines (Richards et al. 2015 PMID: 25741868, with internal and published modifications).